The following is an entry in ClinVar:

ClinVar aggregate classification (germline): Likely benign (1 of 4 stars; one submission).

gnomAD v4.1: 1 of 1,613,724 alleles (0.000062%); highest among the groups gnomAD compares: East Asian, 0.0022%; no homozygotes.

Submission:

Women's Health and Genetics/Laboratory Corporation of America, LabCorp
Classification: Likely benign. Last evaluated: 2025-02-03. Review status: criteria provided, single submitter. Criteria: LabCorp Variant Classification Summary - May 2015. Collection method: clinical testing. Allele origin: germline.
Comment: Variant summary: KMT2B c.4389T>G alters a conserved nucleotide resulting in a synonymous change. Consensus agreement among computation tools predict no significant impact on normal splicing. However, these predictions have yet to be confirmed by functional studies. The frequency data for this variant in gnomAD is considered unreliable, as metrics indicate poor data quality at this position. To our knowledge, no occurrence of c.4389T>G in individuals affected with Dystonia 28, Childhood-Onset and no experimental evidence demonstrating its impact on protein function have been reported. No submitters have cited clinical-significance assessments for this variant to ClinVar. Based on the evidence outlined above, the variant was classified as likely benign.

NM_014727.3(KMT2B):c.4389T>G (p.Ser1463=)

Gene: KMT2B (lysine methyltransferase 2B; plus strand). Cytogenetic location: 19q13.12.
Variant type: single nucleotide variant.
Coding change: c.4389T>G on transcript NM_014727.3 (MANE Select); coding-DNA position 4389, T replaced by G.
Protein change: p.Ser1463=; no amino-acid change (serine 1463 retained).
Molecular consequence: synonymous variant.
Genome position (GRCh38, 1-based): chr19:35,727,784, T>G. VCF-style: chr19-35727784-T-G. GRCh37 (hg19) VCF-style: chr19-36218685-T-G.
Identifiers: ClinVar variation 3768809 (VCV003768809.1).
Genomic context (GRCh38, chr19:35,727,784, plus strand): 5'-CCCAGGACCCTGCGGCCTGCAAGCTGTGAGTCAGCGCTTCGAGGATGGCCACTACAAGTC[T>G]GTGGTGAGTGGTACACCAGGAGGAGCAGGTGGGTGGCAGGAGGAGAGGGCTGGAATTGTG-3'
Protein context (NP_055542.1, residues 1453-1473): SQRFEDGHYK[Ser1463=]VHSFMEDMVG